The following is an entry in ClinVar:

ClinVar aggregate classification (germline): Pathogenic (1 of 4 stars; one submission).

Submission:

GeneDx
Classification: Pathogenic. Last evaluated: 2020-10-09. Review status: criteria provided, single submitter. Criteria: GeneDx Variant Classification Process June 2021. Collection method: clinical testing. Allele origin: germline. Affected: yes.
Comment: Not observed in large population cohorts (Lek et al., 2016); In silico analysis supports that this missense variant has a deleterious effect on protein structure/function; In-silico analysis, which includes splice predictors and evolutionary conservation, is inconclusive as to whether the variant alters gene splicing. In the absence of RNA/functional studies, the actual effect of this sequence change is unknown.; This variant is associated with the following publications: (PMID: 21373255, 19921652)

NM_000346.4(SOX9):c.509C>T (p.Pro170Leu)

Gene: SOX9 (SRY-box transcription factor 9; plus strand). Cytogenetic location: 17q24.3.
Variant type: single nucleotide variant.
Coding change: c.509C>T on transcript NM_000346.4 (MANE Select); coding-DNA position 509, C replaced by T.
Protein change: p.Pro170Leu; replaces proline 170 with leucine.
Molecular consequence: missense variant.
Genome position (GRCh38, 1-based): chr17:72,122,796, C>T. VCF-style: chr17-72122796-C-T. GRCh37 (hg19) VCF-style: chr17-70118937-C-T.
Other names: short protein forms P170L.
Identifiers: ClinVar variation 429733 (VCV000429733.3), dbSNP rs1131691554, ClinGen allele CA400866452.